The following is an entry in ClinVar:

NM_005245.4(FAT1):c.8963A>T (p.Lys2988Ile)

Genes: FAT1 (FAT atypical cadherin 1; minus strand), LOC126807255 (BRD4-independent group 4 enhancer GRCh37_chr4:187538202-187539401; plus strand). Cytogenetic location: 4q35.2.
Variant type: single nucleotide variant.
Coding change: c.8963A>T on transcript NM_005245.4 (MANE Select); coding-DNA position 8963, A replaced by T.
Protein change: p.Lys2988Ile; replaces lysine 2988 with isoleucine.
Molecular consequence: missense variant.
Genome position (GRCh38, 1-based): chr4:186,617,117, T>A on the plus strand (A>T on the coding strand, the complement: FAT1 is on the minus strand). VCF-style: chr4-186617117-T-A. GRCh37 (hg19) VCF-style: chr4-187538271-T-A.
Other names: c.8963A>T (NM_005245.3); short protein forms K2988I.
Identifiers: ClinVar variation 1169978 (VCV001169978.18), dbSNP rs74986565, ClinGen allele CA3165775.

ClinVar aggregate classification (germline): Conflicting classifications of pathogenicity. Review status: criteria provided, conflicting classifications (1 of 4 stars). 5 submissions from 5 submitters: Uncertain significance (1); Benign (2); Likely benign (1). 1 of the submissions does not count toward it. Last evaluated 2025-12-30.

Conditions:
FAT1-related disorder. Also called: FAT1-related condition.

Allele frequency attached by ClinVar (database versions not stated): gnomAD exomes 0.00039 and 0.00149; gnomAD 0.00050 and 0.00062; TOPMed 0.00094; ExAC 0.00126; 1000 Genomes Project 0.00180; 1000 Genomes Project 30x 0.00187.
gnomAD v4.1: 719 of 1,613,966 alleles (0.045%); highest among the groups gnomAD compares: East Asian, 1.3%; 8 homozygotes.

Submissions (5):

Labcorp Genetics (formerly Invitae), Labcorp
Classification: Benign. Last evaluated: 2025-12-30. Review status: criteria provided, single submitter. Criteria: Invitae Variant Classification Sherloc (09022015). Collection method: clinical testing. Allele origin: germline.

CeGaT Center for Human Genetics Tuebingen
Classification: Likely benign. Last evaluated: 2025-03-01. Review status: criteria provided, single submitter. Criteria: CeGaT Center For Human Genetics Tuebingen Variant Classification Criteria Version 2. Collection method: clinical testing. Allele origin: germline. Affected: yes. Observed: 1 variant allele.
Comment: FAT1: BP4, BS2

Blueprint Genetics
Classification: Uncertain significance. Last evaluated: 2024-11-08. Review status: criteria provided, single submitter. Criteria: ACMG Guidelines, 2015. Collection method: clinical testing. Allele origin: germline.

Mendelics
Classification: Benign. Last evaluated: 2022-05-04. Review status: criteria provided, single submitter. Criteria: Mendelics Assertion Criteria 2019. Collection method: clinical testing. Allele origin: germline.

PreventionGenetics, part of Exact Sciences
Classification: Likely benign for FAT1-related condition. Last evaluated: 2023-11-17. Review status: no assertion criteria provided. Collection method: clinical testing. Allele origin: germline. Not counted in ClinVar's aggregate classification.
Comment: This variant is classified as likely benign based on ACMG/AMP sequence variant interpretation guidelines (Richards et al. 2015 PMID: 25741868, with internal and published modifications).